The following is an entry in ClinVar:

NM_000448.3(RAG1):c.1123C>G (p.His375Asp)

Gene: RAG1 (recombination activating 1; plus strand). Cytogenetic location: 11p12.
Variant type: single nucleotide variant.
Coding change: c.1123C>G on transcript NM_000448.3 (MANE Select); coding-DNA position 1123, C replaced by G.
Protein change: p.His375Asp; replaces histidine 375 with aspartic acid.
Molecular consequence: missense variant.
Genome position (GRCh38, 1-based): chr11:36,574,427, C>G. VCF-style: chr11-36574427-C-G. GRCh37 (hg19) VCF-style: chr11-36595977-C-G.
Other names: c.1123C>G, p.His375Asp (NM_001377277.1, NM_001377278.1, NM_001377279.1 and 1 more transcripts); short protein forms H375D.
Identifiers: ClinVar variation 1397427 (VCV001397427.7), dbSNP rs773272902, ClinGen allele CA5950102.

ClinVar aggregate classification (germline): Uncertain significance. Review status: criteria provided, multiple submitters, no conflicts (2 of 4 stars). 2 submissions from 2 submitters: Uncertain significance (2). Last evaluated 2023-07-09.

Conditions:
Severe combined immunodeficiency, autosomal recessive, T cell-negative, B cell-negative, NK cell-positive. Also called: SCID, AR, T-cell negative, B-cell negative, NK cell-positive; SCID, T CELL-NEGATIVE, B CELL-NEGATIVE, NK CELL-POSITIVE; Severe combined immunodeficiency due to complete RAG1/2 deficiency. Identifiers: Orphanet 331206, MedGen C1832322, MONDO:0011086, OMIM 601457.
Combined immunodeficiency with skin granulomas. Identifiers: Orphanet 157949, MedGen C2673536, MONDO:0009306, OMIM 233650.

Allele frequency attached by ClinVar (database versions not stated): gnomAD 0.00001; gnomAD exomes 0.00001 and 0.00002; ExAC 0.00002.
gnomAD v4.1: 9 of 1,614,062 alleles (0.00056%); highest among the groups gnomAD compares: Admixed American, 0.0033%; no homozygotes.

Submissions (2):

Labcorp Genetics (formerly Invitae), Labcorp
Classification: Uncertain significance for Combined immunodeficiency with skin granulomas; Severe combined immunodeficiency, autosomal recessive, T cell-negative, B cell-negative, NK cell-positive. Last evaluated: 2023-07-09. Review status: criteria provided, single submitter. Criteria: Invitae Variant Classification Sherloc (09022015). Collection method: clinical testing. Allele origin: germline.
Comment: This sequence change replaces histidine, which is basic and polar, with aspartic acid, which is acidic and polar, at codon 375 of the RAG1 protein (p.His375Asp). This variant is present in population databases (rs773272902, gnomAD 0.009%). This missense change has been observed in individual(s) with clinical features of combined immune deficiency and atypical severe combined immune deficiency SCID (PMID: 28216420, 28769923). ClinVar contains an entry for this variant (Variation ID: 1397427). Advanced modeling of protein sequence and biophysical properties (such as structural, functional, and spatial information, amino acid conservation, physicochemical variation, residue mobility, and thermodynamic stability) has been performed at Invitae for this missense variant, however the output from this modeling did not meet the statistical confidence thresholds required to predict the impact of this variant on RAG1 protein function. In summary, the available evidence is currently insufficient to determine the role of this variant in disease. Therefore, it has been classified as a Variant of Uncertain Significance.

Blueprint Genetics
Classification: Uncertain significance. Last evaluated: 2021-10-08. Review status: criteria provided, single submitter. Criteria: ACMG Guidelines, 2015. Collection method: clinical testing. Allele origin: germline.

Literature cited by the submitters: PubMed 28216420 (cited by Labcorp Genetics (formerly Invitae), Labcorp); PubMed 28769923 (cited by Labcorp Genetics (formerly Invitae), Labcorp).